The following is an entry in ClinVar:

NM_001848.3(COL6A1):c.717+4A>G

Gene: COL6A1 (collagen type VI alpha 1 chain; plus strand). Cytogenetic location: 21q22.3.
Variant type: single nucleotide variant.
Coding change: c.717+4A>G on transcript NM_001848.3 (MANE Select); 4 bases into the intron after coding-DNA position 717, A replaced by G.
Molecular consequence: intron variant.
Genome position (GRCh38, 1-based): chr21:45,987,076, A>G. VCF-style: chr21-45987076-A-G. GRCh37 (hg19) VCF-style: chr21-47406990-A-G.
Identifiers: ClinVar variation 284826 (VCV000284826.26), dbSNP rs762867111, ClinGen allele CA10069654.

ClinVar aggregate classification (germline): Conflicting classifications of pathogenicity. Review status: criteria provided, conflicting classifications (1 of 4 stars). 9 submissions from 9 submitters: Pathogenic (1); Likely pathogenic (4); Uncertain significance (4). Last evaluated 2026-08-04.

Conditions:
Bethlem myopathy 1A. Also called: MYOPATHY, BENIGN CONGENITAL, WITH CONTRACTURES; Bethlem myopathy 1; Bethlem Muscular Dystrophy. Identifiers: Orphanet 610, MedGen CN029274, MONDO:0024530, OMIM 158810.
COL6A1-related disorder. Also called: COL6A1-related condition.

Allele frequency attached by ClinVar (database versions not stated): ExAC 0.00005; gnomAD 0.00006 and 0.00007; TOPMed 0.00012; gnomAD exomes 0.00001.
gnomAD v4.1: 30 of 1,559,014 alleles (0.0019%); highest among the groups gnomAD compares: Admixed American, 0.012%; 1 homozygote.

Submissions (11):

GeneDx
Classification: Likely pathogenic. Last evaluated: 2026-08-04. Review status: criteria provided, single submitter. Criteria: GeneDx Variant Classification Process June 2021. Collection method: clinical testing. Allele origin: germline.
Comment: Reported previously with a second variant, phase unknown, in a patient with joint retractions, distal hyperextensiblity, follicular hyperkeratosis, and dystrophic biopsy (PMID: 32065942); Not observed at significant frequency in large population cohorts (gnomAD); In silico analysis supports a deleterious effect on splicing; This variant is associated with the following publications: (PMID: 30564623, 32403337, 20976770, 37688281, 38155714, 33441455, 32065942, 32528171)

PreventionGenetics, part of Exact Sciences
Classification: Likely pathogenic for COL6A1-related condition. Last evaluated: 2026-01-15. Review status: criteria provided, single submitter. Criteria: ACMG Guidelines, 2015. Collection method: clinical testing. Allele origin: germline.
Comment: The COL6A1 c.717+4A>G variant is predicted to interfere with splicing. This variant has been reported in the homozygous state in an individual with limb-girdle muscular dystrophy 1A (Table S7, Nallamilli et al. 2018. PubMed ID: 30564623), in the heterozygous state with another COL6A1 variant in patients with COL6-related myopathies (Zanoteli et al. 2020. PubMed ID: 32065942; Internal Data, PreventionGenetics), and in the heterozygous state in individuals with COL6-related myopathies where a second variant was not reported (Gonzalez-Quereda et al. 2020. PubMed ID: 32403337; Supplementary Table 4, Töpf et al 2020. PubMed ID: 32528171). This variant is predicted to alter splicing based on available splicing prediction programs (SpliceAI, Jaganathan et al. 2019. PubMed ID: 30661751). However, the use of computer prediction programs is not equivalent to functional evidence. This variant has conflicting classifications listed in ClinVar ranging from uncertain to pathogenic. This variant was reported in 0.0030% of alleles in individuals of European (non-Finnish) ancestry in gnomAD. This variant is interpreted as likely pathogenic.

Labcorp Genetics (formerly Invitae), Labcorp
Classification: Likely pathogenic for Bethlem myopathy 1A. Last evaluated: 2025-12-16. Review status: criteria provided, single submitter. Criteria: Invitae Variant Classification Sherloc (09022015). Collection method: clinical testing. Allele origin: germline.
Comment: This sequence change falls in intron 5 of the COL6A1 gene. It does not directly change the encoded amino acid sequence of the COL6A1 protein. It affects a nucleotide within the consensus splice site. The frequency data for this variant in the population databases is considered unreliable, as metrics indicate poor data quality at this position in the gnomAD database. This variant has been observed in individuals with clinical features of autosomal recessive COL6A1-related conditions (PMID: 30564623, 32065942, 38155714; internal data). This variant has been reported in individual(s) with clinical features of autosomal dominant COL6A1-related conditions (PMID: 32403337); however, the role of the variant in this condition is currently unclear. ClinVar contains an entry for this variant (Variation ID: 284826). Variants that disrupt the consensus splice site are a relatively common cause of aberrant splicing (PMID: 17576681, 9536098). Algorithms developed to predict the effect of sequence changes on RNA splicing suggest that this variant may disrupt the consensus splice site. In summary, the currently available evidence indicates that the variant is pathogenic, but additional data are needed to prove that conclusively. Therefore, this variant has been classified as Likely Pathogenic.

Dasa
Classification: Uncertain significance. Last evaluated: 2024-12-24. Review status: criteria provided, single submitter. Criteria: DASA Assertion Criteria. Collection method: clinical testing. Allele origin: germline.
Comment: NM_001848.3(COL6A1):c.717+4A>G is a splice-region variant predicted to affect normal RNA splicing. This variant has been recurrently observed in individuals with COL6A1-related disorders (PMID: 32065942; PMID: 32403337). Also, this variant is rare in population databases. Computational prediction algorithms are consistent with a deleterious effect. The currently available literature and clinical evidence are not sufficient to establish a definitive association between this variant and the reported condition. Therefore, this variant is classified as a variant of uncertain significance.

Athena Diagnostics
Classification: Uncertain significance. Last evaluated: 2024-06-19. Review status: criteria provided, single submitter. Criteria: Athena Diagnostics Criteria. Collection method: clinical testing. Allele origin: unknown.

AiLife Diagnostics
Classification: Uncertain significance. Last evaluated: 2021-08-05. Review status: criteria provided, single submitter. Criteria: ACMG Guidelines, 2015. Collection method: clinical testing. Allele origin: germline. Affected: yes. Observed: 1 variant allele.

Revvity Omics, Revvity
Classification: Uncertain significance. Last evaluated: 2019-07-24. Review status: criteria provided, single submitter. Criteria: ACMG Guidelines, 2015. Collection method: clinical testing. Allele origin: germline.

Eurofins Ntd Llc (ga)
Classification: Likely pathogenic. Last evaluated: 2018-03-09. Review status: criteria provided, single submitter. Criteria: EGL ClinVar v180209 classification definitions. Collection method: clinical testing. Allele origin: germline. Observed: 7 variant alleles, 6 heterozygotes, 1 homozygote.

Equipe Genetique des Anomalies du Developpement, Université de Bourgogne
Classification: Pathogenic for Bethlem myopathy 1A. Last evaluated: 2016-06-23. Review status: criteria provided, single submitter. Criteria: ACMG Guidelines, 2015. Collection method: clinical testing. Allele origin: unknown. Affected: yes. Study: Clinvar_gadteam_Clinical_exome_analysis_3.

Dr. Peter K. Rogan Lab, Western University
No classification provided (evidence only). Condition: Thymoma. Review status: no classification provided. Collection method: in vitro. Allele origin: not applicable. Functional consequence: retained intron. Not counted in ClinVar's aggregate classification.

Dr. Peter K. Rogan Lab, Western University
No classification provided (evidence only). Condition: Uterine carcinosarcoma. Review status: no classification provided. Collection method: in vitro. Allele origin: not applicable. Functional consequence: retained intron. Not counted in ClinVar's aggregate classification.

Literature cited by the submitters: PubMed 30564623 (cited by 3 submitters); PubMed 32065942 (cited by 4 submitters); PubMed 38155714 (cited by Labcorp Genetics (formerly Invitae), Labcorp and Athena Diagnostics); PubMed 32403337 (cited by 4 submitters); PubMed 17576681 (cited by Labcorp Genetics (formerly Invitae), Labcorp); PubMed 9536098 (cited by Labcorp Genetics (formerly Invitae), Labcorp); PubMed 32528171 (cited by Athena Diagnostics and AiLife Diagnostics).